The following is an entry in ClinVar:

ClinVar aggregate classification (germline): Uncertain significance (1 of 4 stars; one submission).

Submission:

CeGaT Center for Human Genetics Tuebingen
Classification: Uncertain significance. Last evaluated: 2024-08-01. Review status: criteria provided, single submitter. Criteria: CeGaT Center For Human Genetics Tuebingen Variant Classification Criteria Version 2. Collection method: clinical testing. Allele origin: germline. Affected: yes. Observed: 1 variant allele.
Comment: SRRM2: PM2, BP1

NM_016333.4(SRRM2):c.6079C>G (p.Arg2027Gly)

Gene: SRRM2 (serine/arginine repetitive matrix 2; plus strand). Cytogenetic location: 16p13.3.
Variant type: single nucleotide variant.
Coding change: c.6079C>G on transcript NM_016333.4 (MANE Select); coding-DNA position 6079, C replaced by G.
Protein change: p.Arg2027Gly; replaces arginine 2027 with glycine.
Molecular consequence: missense variant.
Genome position (GRCh38, 1-based): chr16:2,766,607, C>G. VCF-style: chr16-2766607-C-G. GRCh37 (hg19) VCF-style: chr16-2816608-C-G.
Other names: short protein forms R2027G.
Identifiers: ClinVar variation 3342112 (VCV003342112.16).
Genomic context (GRCh38, chr16:2,766,607, plus strand): 5'-CGCTCTCGAACCTCACCAGTGACACGCCGCCGCTCTAGGTCCCGGACACCTCCAGCTATT[C>G]GGCGCCGCTCTAGATCTCGAACGCCACTGTTACCACGCAAACGTTCTCGAAGTCGCTCAC-3'
Protein context (NP_057417.3, residues 2017-2037): RSRSRTPPAI[Arg2027Gly]RRSRSRTPLL